The following is an entry in ClinVar:

ClinVar aggregate classification (germline): Pathogenic/Likely pathogenic. Review status: criteria provided, multiple submitters, no conflicts (2 of 4 stars). 4 submissions from 4 submitters: Pathogenic (2); Likely pathogenic (2). Last evaluated 2025-09-02.

Conditions:
Hereditary cancer-predisposing syndrome. Also called: Tumor predisposition; Neoplastic Syndromes, Hereditary; Hereditary Cancer Syndrome; Hereditary neoplastic syndrome. Identifiers: Orphanet 140162, MedGen C0027672, MeSH D009386, MONDO:0015356.
Pheochromocytoma/paraganglioma syndrome 5. Also called: Paragangliomas 5; SDHA-Related Hereditary Paraganglioma-Pheochromocytoma Syndrome. Identifiers: Orphanet 29072, MedGen C3279992, MONDO:0013602, OMIM 614165.
Mitochondrial complex II deficiency, nuclear type 1. Also called: SUCCINATE CoQ REDUCTASE DEFICIENCY. Identifiers: Orphanet 3208, MedGen C5700310, MONDO:0100294, OMIM 252011.

Allele frequency attached by ClinVar (database versions not stated): ExAC 0.00004.

Submissions (4):

Labcorp Genetics (formerly Invitae), Labcorp
Classification: Pathogenic for Pheochromocytoma/paraganglioma syndrome 5; Mitochondrial complex II deficiency, nuclear type 1. Last evaluated: 2025-09-02. Review status: criteria provided, single submitter. Criteria: Invitae Variant Classification Sherloc (09022015). Collection method: clinical testing. Allele origin: germline.
Comment: This sequence change affects an acceptor splice site in intron 13 of the SDHA gene. It is expected to disrupt RNA splicing. Variants that disrupt the donor or acceptor splice site typically lead to a loss of protein function (PMID: 16199547), and loss-of-function variants in SDHA are known to be pathogenic (PMID: 22974104, 24781757). This variant is present in population databases (rs778516878, gnomAD 0.001%). Disruption of this splice site has been observed in individuals with clinical features of mitochondrial complex II deficiency and/or gastrointestinal stromal tumor (PMID: 23282968, 27011036, 31019026, 34645491; internal data). ClinVar contains an entry for this variant (Variation ID: 691997). Algorithms developed to predict the effect of sequence changes on RNA splicing suggest that this variant may disrupt the consensus splice site. For these reasons, this variant has been classified as Pathogenic.

Myriad Genetics, Inc.
Classification: Likely pathogenic for Pheochromocytoma/paraganglioma syndrome 5. Last evaluated: 2024-11-25. Review status: criteria provided, single submitter. Criteria: Myriad Autosomal Dominant, Autosomal Recessive and X-Linked Classification Criteria (2023). Collection method: clinical testing. Allele origin: unknown.
Comment: This variant is considered likely pathogenic. This variant occurs within a consensus splice junction and is predicted to result in abnormal mRNA splicing of either an out-of-frame exon or an in-frame exon necessary for protein stability and/or normal function.

Ambry Genetics
Classification: Likely pathogenic for Hereditary cancer-predisposing syndrome. Last evaluated: 2024-10-23. Review status: criteria provided, single submitter. Criteria: Ambry Variant Classification Scheme 2023. Collection method: clinical testing. Allele origin: germline.
Comment: The c.1795-1G>T intronic variant results from a G to T substitution one nucleotide upstream from coding exon 14 of the SDHA gene. This alteration has been reported as a germline mutation in an individual with a GIST (Miettinen M et al. Am. J. Surg. Pathol. 2013 Feb;37:234-40). This alteration has been reported in conjunction with SDHA c.480T>G (p.F160L) in an patient with mitochondrial complex II deficiency (De La Vega FM et al. Genome Med, 2021 Oct;13:153). This variant is considered to be rare based on population cohorts in the Genome Aggregation Database (gnomAD). This nucleotide position is highly conserved in available vertebrate species. In silico splice site analysis predicts that this alteration will weaken the native splice acceptor site and will result in the creation or strengthening of a novel splice acceptor site. RNA studies have demonstrated that this alteration results in abnormal splicing in the set of samples tested (Ambry internal data). Based on the majority of available evidence to date, this variant is likely to be pathogenic.

Rady Children's Institute for Genomic Medicine, Rady Children's Hospital San Diego
Classification: Pathogenic for MITOCHONDRIAL COMPLEX II DEFICIENCY. Last evaluated: 2017-09-21. Review status: criteria provided, single submitter. Criteria: ACMG Guidelines, 2015. Collection method: clinical testing. Allele origin: germline. Affected: yes. Observed: 1 variant allele.
Comment: This variant impacts the splice site at the start of exon 14. The nucleotide residue is highly conserved at this position and is predicted to be a loss-of-function variant that negatively impacts SDHA protein function. There is one report of the variant as pathogenic in an individual with a germline heterozygous c.1796-1G>T variant and a SDHA deficiency-linked gastrointestinal stromal tumor (GIST) (PMID: 23282968). There is one report of this variant in the public reference database gnomAD, thus it is presumed rare. Based on the available evidence, the variant is classified as pathogenic.

Literature cited by the submitters: PubMed 16199547 (cited by Labcorp Genetics (formerly Invitae), Labcorp); PubMed 22974104 (cited by Labcorp Genetics (formerly Invitae), Labcorp); PubMed 24781757 (cited by Labcorp Genetics (formerly Invitae), Labcorp); PubMed 23282968 (cited by Labcorp Genetics (formerly Invitae), Labcorp and Ambry Genetics); PubMed 27011036 (cited by Labcorp Genetics (formerly Invitae), Labcorp); PubMed 31019026 (cited by Labcorp Genetics (formerly Invitae), Labcorp); PubMed 34645491 (cited by Labcorp Genetics (formerly Invitae), Labcorp and Ambry Genetics).

NM_004168.4(SDHA):c.1795-1G>T

Gene: SDHA (succinate dehydrogenase complex flavoprotein subunit A; plus strand). Cytogenetic location: 5p15.33.
Variant type: single nucleotide variant.
Coding change: c.1795-1G>T on transcript NM_004168.4 (MANE Select); the canonical splice acceptor site of the intron before coding-DNA position 1795, G replaced by T.
Molecular consequence: splice acceptor variant.
Genome position (GRCh38, 1-based): chr5:254,392, G>T. VCF-style: chr5-254392-G-T. GRCh37 (hg19) VCF-style: chr5-254507-G-T.
Other names: c.1552-1G>T (NM_001330758.2); c.1651-1G>T (NM_001294332.2).
Identifiers: ClinVar variation 691997 (VCV000691997.17), dbSNP rs778516878, ClinGen allele CA3173430.
Genomic context (GRCh38, chr5:254,392, plus strand): 5'-GTGTTTTTTCTGTATTGCTCTGTTAGAGTAATAAGAAACGTGATGGTGTTTCTGGCCTCA[G>T]GTGCGGATTGATGAGTACGATTACTCCAAGCCCATCCAGGGGCAACAGAAGAAGCCCTTT-3'